The following is an entry in ClinVar:

ClinVar aggregate classification (germline): Uncertain significance. Review status: criteria provided, multiple submitters, no conflicts (2 of 4 stars). 13 submissions from 13 submitters: Uncertain significance (13). Last evaluated 2026-08-17.

Conditions:
Colorectal cancer, susceptibility to, 12 (CRCS12). Also called: COLORECTAL CANCER, SUSCEPTIBILITY TO, ON CHROMOSOME 12q24. Identifiers: Orphanet 220460, MedGen C3554460, MONDO:0014038, OMIM 615083.
POLE-related disorder. Also called: POLE-related condition; POLE-related disorders.
Intrauterine growth retardation, metaphyseal dysplasia, adrenal hypoplasia congenita, genital anomalies, and immunodeficiency. Also called: IMAGEI SYNDROME. Identifiers: MedGen C5193036, MONDO:0032684, OMIM 618336.
Facial dysmorphism-immunodeficiency-livedo-short stature syndrome. Also called: Facial dysmorphism, immunodeficiency, livedo, and short stature; FILS syndrome. Identifiers: Orphanet 352712, MedGen C3554576, MONDO:0014058, OMIM 615139.
Hereditary cancer-predisposing syndrome. Also called: Neoplastic Syndromes, Hereditary; Hereditary neoplastic syndrome; Tumor predisposition; Hereditary Cancer Syndrome. Identifiers: Orphanet 140162, MedGen C0027672, MeSH D009386, MONDO:0015356.

Allele frequency attached by ClinVar (database versions not stated): gnomAD exomes 0.00006; TOPMed 0.00006; ExAC 0.00007; gnomAD 0.00009.
gnomAD v4.1: 99 of 1,609,384 alleles (0.0062%); highest among the groups gnomAD compares: Middle Eastern, 0.033%; no homozygotes.

Submissions (13):

PreventionGenetics, part of Exact Sciences
Classification: Uncertain significance for POLE-related condition. Last evaluated: 2026-08-17. Review status: criteria provided, single submitter. Criteria: ACMG Guidelines, 2015. Collection method: clinical testing. Allele origin: germline.
Comment: The POLE c.431A>G variant is predicted to result in the amino acid substitution p.His144Arg. This variant has been reported with uncertain significance in an individual affected with colorectal cancer whose tumor was microsatellite stable (Table S3, Raskin et al. 2017. PubMed ID: 29212164). This variant was also described in an individual who underwent hereditary cancer testing; however, other variants of uncertain significance in other genes were also present (Table S1, Velaquez et al. 2020. PubMed ID: 32522261) and was reported in a study of women with a personal or family history of breast cancer (Pereira et al. 2022. PubMed ID: 35980532). This variant is reported in 0.0098% of alleles in individuals of South Asian descent in gnomAD and is classified in ClinVar as a variant of uncertain significance (Variation ID: 405687). At this time, the clinical significance of this variant is uncertain due to the absence of conclusive functional and genetic evidence.

Labcorp Genetics (formerly Invitae), Labcorp
Classification: Uncertain significance. Last evaluated: 2025-12-28. Review status: criteria provided, single submitter. Criteria: Invitae Variant Classification Sherloc (09022015). Collection method: clinical testing. Allele origin: germline.
Comment: This sequence change replaces histidine, which is basic and polar, with arginine, which is basic and polar, at codon 144 of the POLE protein (p.His144Arg). This variant is present in population databases (rs755709875, gnomAD 0.01%). This missense change has been observed in individual(s) with colorectal cancer (PMID: 29212164). ClinVar contains an entry for this variant (Variation ID: 405687). Invitae Evidence Modeling of protein sequence and biophysical properties (such as structural, functional, and spatial information, amino acid conservation, physicochemical variation, residue mobility, and thermodynamic stability) indicates that this missense variant is expected to disrupt POLE protein function with a positive predictive value of 80%. In summary, the available evidence is currently insufficient to determine the role of this variant in disease. Therefore, it has been classified as a Variant of Uncertain Significance.

GeneDx
Classification: Uncertain significance. Last evaluated: 2025-06-20. Review status: criteria provided, single submitter. Criteria: GeneDx Variant Classification Process June 2021. Collection method: clinical testing. Allele origin: germline. Affected: yes.
Comment: Observed in individuals with a personal or family history of breast/ovarian cancer, colorectal cancer and/or polyps cancer (PMID: 29212164, 32522261, 35980532); In silico analysis supports that this missense variant has a deleterious effect on protein structure/function; This variant is associated with the following publications: (PMID: 32522261, 29212164, 35980532)

Center for Genomic Medicine, Rigshospitalet, Copenhagen University Hospital
Classification: Uncertain significance. Last evaluated: 2025-03-04. Review status: criteria provided, single submitter. Criteria: ACMG Guidelines, 2015. Collection method: clinical testing. Allele origin: germline.

Department of Pathology and Laboratory Medicine, Sinai Health System
Classification: Uncertain significance for Colorectal cancer, susceptibility to, 12; Facial dysmorphism-immunodeficiency-livedo-short stature syndrome; Intrauterine growth retardation, metaphyseal dysplasia, adrenal hypoplasia congenita, genital anomalies, and immunodeficiency. Last evaluated: 2025-01-08. Review status: criteria provided, single submitter. Criteria: ACMG Guidelines, 2015. Collection method: clinical testing. Allele origin: germline.

Ambry Genetics
Classification: Uncertain significance for Hereditary cancer-predisposing syndrome. Last evaluated: 2024-12-18. Review status: criteria provided, single submitter. Criteria: Ambry Variant Classification Scheme 2023. Collection method: clinical testing. Allele origin: germline.
Comment: The p.H144R variant (also known as c.431A>G), located in coding exon 6 of the POLE gene, results from an A to G substitution at nucleotide position 431. The histidine at codon 144 is replaced by arginine, an amino acid with highly similar properties. This amino acid position is highly conserved in available vertebrate species. In addition, this alteration is predicted to be deleterious by in silico analysis. Based on the available evidence, the clinical significance of this variant remains unclear.

CeGaT Center for Human Genetics Tuebingen
Classification: Uncertain significance. Last evaluated: 2024-06-01. Review status: criteria provided, single submitter. Criteria: CeGaT Center For Human Genetics Tuebingen Variant Classification Criteria Version 2. Collection method: clinical testing. Allele origin: germline. Affected: yes. Observed: 1 variant allele.

Mayo Clinic Laboratories, Mayo Clinic
Classification: Uncertain significance. Last evaluated: 2024-04-02. Review status: criteria provided, single submitter. Criteria: ACMG Guidelines, 2015. Collection method: clinical testing. Allele origin: germline. Observed: 5 variant alleles.

Fulgent Genetics
Classification: Uncertain significance for Colorectal cancer, susceptibility to, 12; Facial dysmorphism-immunodeficiency-livedo-short stature syndrome; Intrauterine growth retardation, metaphyseal dysplasia, adrenal hypoplasia congenita, genital anomalies, and immunodeficiency. Last evaluated: 2023-12-27. Review status: criteria provided, single submitter. Criteria: ACMG Guidelines, 2015. Collection method: clinical testing. Allele origin: germline.

MGZ Medical Genetics Center
Classification: Uncertain significance for Colorectal cancer, susceptibility to, 12. Last evaluated: 2021-08-14. Review status: criteria provided, single submitter. Criteria: ACMG Guidelines, 2015. Collection method: clinical testing. Allele origin: germline. Affected: yes. Observed: 1 variant allele.
Comment: ACMG criteria applied: PM2_SUP, BP5

Quest Diagnostics Nichols Institute San Juan Capistrano
Classification: Uncertain significance. Last evaluated: 2020-03-16. Review status: criteria provided, single submitter. Criteria: Quest Diagnostics criteria. Collection method: clinical testing. Allele origin: unknown.

Laboratory for Molecular Medicine, Mass General Brigham Personalized Medicine
Classification: Uncertain significance. Last evaluated: 2018-08-14. Review status: criteria provided, single submitter. Criteria: LMM Criteria. Collection method: clinical testing. Allele origin: germline. Observed: 1 variant allele.
Comment: The p.His144Arg variant in POLE has not been previously reported in individuals with colorectal cancer but has been reported by other clinical laboratories in C linVar (Variation ID: 405687). It has also been identified in 3/30758 South Asia n chromosomes by the Genome Aggregation Database (gnomAD; dbSNP rs755709875). Computational prediction tools and conservation analysis suggest that the p.His144Arg variant may impact the protein, though thi s information is not predictive enough to determine pathogenicity. In summary, t he clinical significance of the p.His144Arg variant is uncertain. ACMG/AMP Crite ria applied: PP3, PM2.

Breakthrough Genomics
Classification: Uncertain significance. Review status: criteria provided, single submitter. Criteria: ACMG Guidelines, 2015. Collection method: not provided. Allele origin: germline. Inheritance: Autosomal recessive inheritance. Affected: yes.

Literature cited by the submitters: PubMed 29212164 (cited by 4 submitters).

NM_006231.4(POLE):c.431A>G (p.His144Arg)

Gene: POLE (DNA polymerase epsilon, catalytic subunit; minus strand). Cytogenetic location: 12q24.33.
Variant type: single nucleotide variant.
Coding change: c.431A>G on transcript NM_006231.4 (MANE Select); coding-DNA position 431, A replaced by G.
Protein change: p.His144Arg; replaces histidine 144 with arginine.
Molecular consequence: missense variant.
Genome position (GRCh38, 1-based): chr12:132,679,644, T>C on the plus strand (A>G on the coding strand, the complement: POLE is on the minus strand). VCF-style: chr12-132679644-T-C. GRCh37 (hg19) VCF-style: chr12-133256230-T-C.
Other names: short protein forms H144R.
Identifiers: ClinVar variation 405687 (VCV000405687.55), dbSNP rs755709875, ClinGen allele CA6894316.